The following is an entry in ClinVar:

ClinVar aggregate classification (germline): Uncertain significance (1 of 4 stars; one submission).

Conditions:
Baller-Gerold syndrome (BGS). Also called: CRANIOSYNOSTOSIS WITH RADIAL DEFECTS. Identifiers: Orphanet 1225, MedGen C0265308, MONDO:0009039, OMIM 218600.

Allele frequency attached by ClinVar (database versions not stated): gnomAD exomes below 0.00001.
gnomAD v4.1: 1 of 1,611,812 alleles (0.000062%); highest among the groups gnomAD compares: Non-Finnish European, 0.000085%; no homozygotes.

Submission:

Labcorp Genetics (formerly Invitae), Labcorp
Classification: Uncertain significance for Baller-Gerold syndrome. Last evaluated: 2021-02-27. Review status: criteria provided, single submitter. Criteria: Invitae Variant Classification Sherloc (09022015). Collection method: clinical testing. Allele origin: germline.
Comment: In summary, the available evidence is currently insufficient to determine the role of this variant in disease. Therefore, it has been classified as a Variant of Uncertain Significance. This sequence change replaces proline with leucine at codon 90 of the RECQL4 protein (p.Pro90Leu). The proline residue is moderately conserved and there is a moderate physicochemical difference between proline and leucine. This variant is not present in population databases (ExAC no frequency). This variant has not been reported in the literature in individuals with RECQL4-related conditions. Experimental studies and prediction algorithms are not available or were not evaluated, and the functional significance of this variant is currently unknown.

NM_004260.4(RECQL4):c.269C>T (p.Pro90Leu)

Gene: RECQL4 (RecQ like helicase 4; minus strand). Cytogenetic location: 8q24.3.
Variant type: single nucleotide variant.
Coding change: c.269C>T on transcript NM_004260.4 (MANE Select); coding-DNA position 269, C replaced by T.
Protein change: p.Pro90Leu; replaces proline 90 with leucine.
Molecular consequence: missense variant.
Genome position (GRCh38, 1-based): chr8:144,517,135, G>A on the plus strand (C>T on the coding strand, the complement: RECQL4 is on the minus strand). VCF-style: chr8-144517135-G-A. GRCh37 (hg19) VCF-style: chr8-145742519-G-A.
Other names: short protein forms P90L.
Identifiers: ClinVar variation 1445620 (VCV001445620.6), dbSNP rs758928559, ClinGen allele CA372692194.